The following is an entry in ClinVar:

NM_004863.4(SPTLC2):c.*1440G>T

Gene: SPTLC2 (serine palmitoyltransferase long chain base subunit 2; minus strand). Cytogenetic location: 14q24.3.
Variant type: single nucleotide variant.
Coding change: c.*1440G>T on transcript NM_004863.4 (MANE Select); 1440 bases downstream of the stop codon, G replaced by T.
Molecular consequence: 3 prime UTR variant.
Genome position (GRCh38, 1-based): chr14:77,510,844, C>A on the plus strand (G>T on the coding strand, the complement: SPTLC2 is on the minus strand). VCF-style: chr14-77510844-C-A. GRCh37 (hg19) VCF-style: chr14-77977187-C-A.
Other names: NC_000014.8:g.77977187C>A.
Identifiers: ClinVar variation 314641 (VCV000314641.6), dbSNP rs116702345, ClinGen allele CA10645094.
Genomic context (GRCh38, chr14:77,510,844, plus strand): 5'-CTTTCATACACTGTTTTTCCATTCTGTTCCCAATCCTTCTCCTGTAATACTTGATGGATA[C>A]AAAAAGACAAACTGATCCTGGGTATAATATGCCAAAAGTCCTCTTCACTTAAACTTTGGT-3'

ClinVar aggregate classification (germline): Benign (1 of 4 stars; one submission).

Conditions:
Neuropathy, hereditary sensory and autonomic, type 1C. Also called: HSAN IC; HSN IC. Identifiers: Orphanet 36386, MedGen C3150896, MONDO:0013337, OMIM 613640.

Allele frequency attached by ClinVar (database versions not stated): gnomAD 0.00440 and 0.00458; TOPMed 0.00482; 1000 Genomes Project 0.00499; 1000 Genomes Project 30x 0.00609.

Submissions (2):

Illumina Laboratory Services, Illumina
Classification: Benign for Neuropathy, hereditary sensory and autonomic, type 1C. Last evaluated: 2018-01-13. Review status: criteria provided, single submitter. Criteria: ICSL Variant Classification Criteria 13 December 2019. Collection method: clinical testing. Allele origin: germline.
Comment: This variant was observed in the ICSL laboratory as part of a predisposition screen in an ostensibly healthy population. It had not been previously curated by ICSL or reported in the Human Gene Mutation Database (HGMD: prior to June 1st, 2018), and was therefore a candidate for classification through an automated scoring system. Utilizing variant allele frequency, disease prevalence and penetrance estimates, and inheritance mode, an automated score was calculated to assess if this variant is too frequent to cause the disease. Based on the score and internal cut-off values, a variant classified as benign is not then subjected to further curation. The score for this variant resulted in a classification of benign for this disease.

Dr. Peter K. Rogan Lab, Western University
No classification provided (evidence only). Condition: Cervical cancer. Review status: no classification provided. Collection method: in vitro. Allele origin: not applicable. Functional consequence: retained intron. Not counted in ClinVar's aggregate classification.